The following is an entry in ClinVar:

ClinVar aggregate classification (germline): Conflicting classifications of pathogenicity. Review status: criteria provided, conflicting classifications (1 of 4 stars). 2 submissions from 2 submitters: Likely pathogenic (1); Uncertain significance (1). Last evaluated 2025-07-04.

Conditions:
Recombinase activating gene 2 deficiency. Also called: RAG2 deficiency. Identifiers: MedGen CN257931, MONDO:0000573.

gnomAD v4.1: 3 of 1,614,080 alleles (0.00019%); highest among the groups gnomAD compares: Admixed American, 0.0017%; no homozygotes.

Submissions (2):

Rady Children's Institute for Genomic Medicine, Rady Children's Hospital San Diego
Classification: Likely pathogenic for RAG2 deficiency. Last evaluated: 2025-07-04. Review status: criteria provided, single submitter. Criteria: ACMG Guidelines, 2015. Collection method: clinical testing. Allele origin: germline. Affected: yes.
Comment: The c.1324G>A (p.Ala442Thr) variant is located within the RAG2 gene‚Äôs PHD domain, which is considered critical for protein function (PMID: 15964836). This variant has been previously reported together with a second missense variant in a patient with SCID (PMID: 35753512, 38096800). Functional studies conducted in this reported individual suggest that this variant may lead to reduced recombination activity (PMID: 38096800). The c.1324G>A (p.Ala442Thr) variant is present in the latest version of the gnomAD population database at an allele frequency of 0.0002% (3/1614080), and is absent in the homozygous state, thus is presumed to be rare. Based on the available evidence, c.1324G>A (p.Ala442Thr) is classified as Likely Pathogenic.

Blueprint Genetics
Classification: Uncertain significance. Last evaluated: 2023-04-11. Review status: criteria provided, single submitter. Criteria: ACMG Guidelines, 2015. Collection method: clinical testing. Allele origin: germline.

Literature cited by the submitters: PubMed 15964836 (cited by Rady Children's Institute for Genomic Medicine, Rady Children's Hospital San Diego); PubMed 35753512 (cited by Rady Children's Institute for Genomic Medicine, Rady Children's Hospital San Diego); PubMed 38096800 (cited by Rady Children's Institute for Genomic Medicine, Rady Children's Hospital San Diego).

NM_000536.4(RAG2):c.1324G>A (p.Ala442Thr)

Gene: RAG2 (recombination activating 2; minus strand). Cytogenetic location: 11p12.
Variant type: single nucleotide variant.
Coding change: c.1324G>A on transcript NM_000536.4 (MANE Select); coding-DNA position 1324, G replaced by A.
Protein change: p.Ala442Thr; replaces alanine 442 with threonine.
Molecular consequence: missense variant.
Genome position (GRCh38, 1-based): chr11:36,592,845, C>T on the plus strand (G>A on the coding strand, the complement: RAG2 is on the minus strand). VCF-style: chr11-36592845-C-T. GRCh37 (hg19) VCF-style: chr11-36614395-C-T.
Other names: c.1324G>A, p.Ala442Thr (NM_001243785.2, NM_001243786.2); short protein forms A442T.
Identifiers: ClinVar variation 4814220 (VCV004814220.2).